The following is an entry in ClinVar:

ClinVar aggregate classification (germline): Uncertain significance (1 of 4 stars; one submission).

Conditions:
Hereditary spastic paraplegia 28. Also called: Spastic paraplegia 28, autosomal recessive. Identifiers: Orphanet 101008, MedGen C1836295, MONDO:0012256, OMIM 609340.

Submission:

Labcorp Genetics (formerly Invitae), Labcorp
Classification: Uncertain significance for Hereditary spastic paraplegia 28. Last evaluated: 2025-06-12. Review status: criteria provided, single submitter. Criteria: Invitae Variant Classification Sherloc (09022015). Collection method: clinical testing. Allele origin: germline.
Comment: This sequence change replaces glutamic acid, which is acidic and polar, with aspartic acid, which is acidic and polar, at codon 255 of the DDHD1 protein (p.Glu255Asp). This variant is not present in population databases (gnomAD no frequency). This variant has not been reported in the literature in individuals affected with DDHD1-related conditions. ClinVar contains an entry for this variant (Variation ID: 1992042). Invitae Evidence Modeling of protein sequence and biophysical properties (such as structural, functional, and spatial information, amino acid conservation, physicochemical variation, residue mobility, and thermodynamic stability) indicates that this missense variant is not expected to disrupt DDHD1 protein function with a negative predictive value of 80%. In summary, the available evidence is currently insufficient to determine the role of this variant in disease. Therefore, it has been classified as a Variant of Uncertain Significance.

NM_001160148.2(DDHD1):c.765G>T (p.Glu255Asp)

Genes: DDHD1 (DDHD domain containing 1; minus strand), LOC130055658 (ATAC-STARR-seq lymphoblastoid active region 8401; plus strand). Cytogenetic location: 14q22.1.
Variant type: single nucleotide variant.
Coding change: c.765G>T on transcript NM_001160148.2 (MANE Select); coding-DNA position 765, G replaced by T.
Protein change: p.Glu255Asp; replaces glutamic acid 255 with aspartic acid.
Molecular consequence: missense variant.
Genome position (GRCh38, 1-based): chr14:53,152,334, C>A on the plus strand (G>T on the coding strand, the complement: DDHD1 is on the minus strand). VCF-style: chr14-53152334-C-A. GRCh37 (hg19) VCF-style: chr14-53619052-C-A.
Other names: c.765G>T, p.Glu255Asp (NM_001160147.2, NM_030637.3); short protein forms E255D.
Identifiers: ClinVar variation 1992042 (VCV001992042.4), dbSNP rs2503564641, ClinGen allele CA389779380.
Genomic context (GRCh38, chr14:53,152,334, plus strand): 5'-CGGGTAGCACTCTCCTTGGGTCACATCCACCTCGTAGAGGCCGCCCCGCACGCACACAGG[C>A]TCGATGTTCACAAGCTCCACCATCTCCGGCTCGTGCCCCGTCGTACTCTGGCAGAAGCCG-3'
Protein context (NP_001153620.1, residues 245-265): EPEMVELVNI[Glu255Asp]PVCVRGGLYE